The following is an entry in ClinVar:

NM_000051.4(ATM):c.1899-24_1899-5del

Gene: ATM (ATM serine/threonine kinase; plus strand). Cytogenetic location: 11q22.3.
Variant type: Deletion.
Coding change: c.1899-24_1899-5del on transcript NM_000051.4 (MANE Select); 24 bases into the intron before coding-DNA position 1899 through 5 bases into the intron before coding-DNA position 1899, 20 bases deleted (ATTAAAGATCTTACTTTCTT).
Molecular consequence: intron variant.
Genome position (GRCh38, 1-based): chr11:108,253,790-108,253,809, ATTAAAGATCTTACTTTCTT deleted; deleting any 20 consecutive bases within chr11:108,253,789-108,253,809 gives the same sequence; the c. name uses the placement nearest the transcript's 3' end. VCF-style (leftmost placement, unchanged base first): chr11-108253788-ATATTAAAGATCTTACTTTCT-A. GRCh37 (hg19) VCF-style: chr11-108124515-ATATTAAAGATCTTACTTTCT-A.
Other names: c.1899-24_1899-5del (NM_001351834.2).
Identifiers: ClinVar variation 2825800 (VCV002825800.3), dbSNP rs2497306961, ClinGen allele CA2739270937.

ClinVar aggregate classification (germline): Uncertain significance (1 of 4 stars; one submission).

Conditions:
Ataxia-telangiectasia syndrome (AT). Also called: ATAXIA-TELANGIECTASIA, COMPLEMENTATION GROUP A; Ataxia telangiectasia (A-T); Cerebello-oculocutaneous telangiectasia; Immunodeficiency with ataxia telangiectasia; LOUIS-BAR SYNDROME; ATAXIA-TELANGIECTASIA, FRESNO VARIANT. Identifiers: Orphanet 100, MedGen C0004135, MONDO:0008840, OMIM 208900.

Submission:

Labcorp Genetics (formerly Invitae), Labcorp
Classification: Uncertain significance for Ataxia-telangiectasia syndrome. Last evaluated: 2023-01-01. Review status: criteria provided, single submitter. Criteria: Invitae Variant Classification Sherloc (09022015). Collection method: clinical testing. Allele origin: germline.
Comment: Algorithms developed to predict the effect of sequence changes on RNA splicing suggest that this variant may disrupt the consensus splice site. In summary, the available evidence is currently insufficient to determine the role of this variant in disease. Therefore, it has been classified as a Variant of Uncertain Significance. This variant has not been reported in the literature in individuals affected with ATM-related conditions. This variant is not present in population databases (gnomAD no frequency). This sequence change falls in intron 12 of the ATM gene. It does not directly change the encoded amino acid sequence of the ATM protein.